The following is an entry in ClinVar:

ClinVar aggregate classification (germline): Likely benign. Review status: criteria provided, single submitter (1 of 4 stars). 2 submissions from 2 submitters: Likely benign (1). 1 of the submissions does not count toward it. Last evaluated 2024-06-14.

Conditions:
KIDINS220-related disorder. Also called: KIDINS220-related condition.

Allele frequency attached by ClinVar (database versions not stated): gnomAD 0.00007 and 0.00004; ExAC 0.00012; gnomAD exomes 0.00013 and 0.00007; TOPMed 0.00005; ESP Exome Variant Server 0.00008.
gnomAD v4.1: 115 of 1,601,360 alleles (0.0072%); highest among the groups gnomAD compares: South Asian, 0.026%; 1 homozygote.

Submissions (2):

Labcorp Genetics (formerly Invitae), Labcorp
Classification: Likely benign. Last evaluated: 2024-06-14. Review status: criteria provided, single submitter. Criteria: Invitae Variant Classification Sherloc (09022015). Collection method: clinical testing. Allele origin: germline.

PreventionGenetics, part of Exact Sciences
Classification: Likely benign for KIDINS220-related condition. Last evaluated: 2024-04-09. Review status: no assertion criteria provided. Collection method: clinical testing. Allele origin: germline. Not counted in ClinVar's aggregate classification.
Comment: This variant is classified as likely benign based on ACMG/AMP sequence variant interpretation guidelines (Richards et al. 2015 PMID: 25741868, with internal and published modifications).

NM_020738.4(KIDINS220):c.223C>T (p.Leu75Phe)

Gene: KIDINS220 (kinase D interacting substrate 220; minus strand). Cytogenetic location: 2p25.1.
Variant type: single nucleotide variant.
Coding change: c.223C>T on transcript NM_020738.4 (MANE Select); coding-DNA position 223, C replaced by T.
Protein change: p.Leu75Phe; replaces leucine 75 with phenylalanine.
Molecular consequence: missense variant. On other transcripts: non-coding transcript variant (2).
Genome position (GRCh38, 1-based): chr2:8,817,701, G>A on the plus strand (C>T on the coding strand, the complement: KIDINS220 is on the minus strand). VCF-style: chr2-8817701-G-A. GRCh37 (hg19) VCF-style: chr2-8957831-G-A.
Other names: c.223C>T, p.Leu75Phe (NM_001348729.2, NM_001348731.2, NM_001348732.2 and 9 more transcripts); c.97C>T, p.Leu33Phe (NM_001348736.2); short protein forms L33F, L75F.
Identifiers: ClinVar variation 777765 (VCV000777765.7), dbSNP rs201123643, ClinGen allele CA1520488.